The following is an entry in ClinVar:

ClinVar aggregate classification (germline): Benign. Review status: criteria provided, multiple submitters, no conflicts (2 of 4 stars). 3 submissions from 3 submitters: Benign (3). Last evaluated 2021-07-14.

Conditions:
Hypokalemic periodic paralysis, type 1. Also called: HypoPP; Hypokalemic Periodic Paralysis Type 1 (AD). Identifiers: Orphanet 681, MedGen C3714580, MONDO:0042979, OMIM 170400.

Allele frequency attached by ClinVar (database versions not stated): 1000 Genomes Project 0.99700; 1000 Genomes Project 30x 0.99719; gnomAD exomes 0.98967; ESP Exome Variant Server 0.99013; gnomAD 0.99321 and 0.99323; TOPMed 0.99341.
gnomAD v4.1: 1,409,656 of 1,423,770 alleles (99%); highest among the groups gnomAD compares: East Asian, 100%; 697,867 homozygotes.

Submissions (3):

Genome-Nilou Lab
Classification: Benign for Hypokalemic periodic paralysis, type 1. Last evaluated: 2021-07-14. Review status: criteria provided, single submitter. Criteria: ACMG Guidelines, 2015. Collection method: clinical testing. Allele origin: germline. Affected: no.

GeneDx
Classification: Benign. Last evaluated: 2018-06-14. Review status: criteria provided, single submitter. Criteria: GeneDx Variant Classification (06012015). Collection method: clinical testing. Allele origin: germline. Affected: yes.
Comment: This variant is considered likely benign or benign based on one or more of the following criteria: it is a conservative change, it occurs at a poorly conserved position in the protein, it is predicted to be benign by multiple in silico algorithms, and/or has population frequency not consistent with disease.

Breakthrough Genomics
Classification: Benign. Review status: criteria provided, single submitter. Criteria: ACMG Guidelines, 2015. Collection method: not provided. Allele origin: germline. Inheritance: Autosomal dominant inheritance. Affected: yes.

NM_000069.3(CACNA1S):c.5135-56A>G

Gene: CACNA1S (calcium voltage-gated channel subunit alpha1 S; minus strand). Cytogenetic location: 1q32.1.
Variant type: single nucleotide variant.
Coding change: c.5135-56A>G on transcript NM_000069.3 (MANE Select); 56 bases into the intron before coding-DNA position 5135, A replaced by G.
Molecular consequence: intron variant.
Genome position (GRCh38, 1-based): chr1:201,040,769, T>C on the plus strand (A>G on the coding strand, the complement: CACNA1S is on the minus strand). VCF-style: chr1-201040769-T-C. GRCh37 (hg19) VCF-style: chr1-201009897-T-C.
Identifiers: ClinVar variation 678241 (VCV000678241.5), dbSNP rs6427875, ClinGen allele CA35990084.